The following is an entry in ClinVar:

NM_015346.4(ZFYVE26):c.4680T>A (p.Tyr1560Ter)

Gene: ZFYVE26 (zinc finger FYVE-type containing 26; minus strand). Cytogenetic location: 14q24.1.
Variant type: single nucleotide variant.
Coding change: c.4680T>A on transcript NM_015346.4 (MANE Select); coding-DNA position 4680, T replaced by A.
Protein change: p.Tyr1560Ter; replaces tyrosine 1560 with a stop codon.
Molecular consequence: nonsense.
Genome position (GRCh38, 1-based): chr14:67,778,243, A>T on the plus strand (T>A on the coding strand, the complement: ZFYVE26 is on the minus strand). VCF-style: chr14-67778243-A-T. GRCh37 (hg19) VCF-style: chr14-68244960-A-T.
Other names: short protein forms Y1560*.
Identifiers: ClinVar variation 5013425 (VCV005013425.1).

ClinVar aggregate classification (germline): Pathogenic (1 of 4 stars; one submission).

Conditions:
Hereditary spastic paraplegia 15 (SPG15). Also called: SPASTIC PARAPLEGIA 15, AUTOSOMAL RECESSIVE; KJELLIN SYNDROME; SPASTIC PARAPLEGIA AND RETINAL DEGENERATION. Identifiers: Orphanet 100996, MedGen C1849128, MONDO:0010044, OMIM 270700.

Submission:

Myriad Genetics, Inc.
Classification: Pathogenic for Hereditary spastic paraplegia 15. Last evaluated: 2024-08-07. Review status: criteria provided, single submitter. Criteria: Myriad Autosomal Dominant, Autosomal Recessive and X-Linked Classification Criteria (2023). Collection method: clinical testing. Allele origin: unknown.
Comment: NM_015346.3(ZFYVE26):c.4680T>A(Y1560*) is expected to be pathogenic in the context of spastic paraplegia type 15. This variant is predicted to lead to an abnormal or absent protein product due to the creation of a premature termination codon in ZFYVE26, a gene where loss-of-function variants are known to be pathogenic. Please note: this variant was assessed in the context of healthy population screening.